The following is an entry in ClinVar:

ClinVar aggregate classification (germline): Uncertain significance. Review status: criteria provided, multiple submitters, no conflicts (2 of 4 stars). 2 submissions from 2 submitters: Uncertain significance (2). Last evaluated 2024-02-07.

Conditions:
Developmental and epileptic encephalopathy, 23 (DEE23). Also called: Epileptic encephalopathy, early infantile, 23. Identifiers: Orphanet 411986, MedGen C4014492, MONDO:0014371, OMIM 615859.
Inborn genetic diseases. Identifiers: MedGen C0950123, MeSH D030342.

Allele frequency attached by ClinVar (database versions not stated): TOPMed 0.00002; ExAC 0.00001; gnomAD 0.00001; gnomAD exomes 0.00001.
gnomAD v4.1: 13 of 1,613,446 alleles (0.00081%); highest among the groups gnomAD compares: East Asian, 0.0045%; no homozygotes.

Submissions (2):

Ambry Genetics
Classification: Uncertain significance for Inborn genetic diseases. Last evaluated: 2024-02-07. Review status: criteria provided, single submitter. Criteria: Ambry Variant Classification Scheme 2023. Collection method: clinical testing. Allele origin: germline.

Labcorp Genetics (formerly Invitae), Labcorp
Classification: Uncertain significance for Developmental and epileptic encephalopathy, 23. Last evaluated: 2022-10-17. Review status: criteria provided, single submitter. Criteria: Invitae Variant Classification Sherloc (09022015). Collection method: clinical testing. Allele origin: germline.
Comment: This variant is present in population databases (rs776880304, gnomAD 0.007%). This sequence change replaces arginine, which is basic and polar, with histidine, which is basic and polar, at codon 1036 of the DOCK7 protein (p.Arg1036His). This variant has not been reported in the literature in individuals affected with DOCK7-related conditions. ClinVar contains an entry for this variant (Variation ID: 1001229). Advanced modeling of protein sequence and biophysical properties (such as structural, functional, and spatial information, amino acid conservation, physicochemical variation, residue mobility, and thermodynamic stability) performed at Invitae indicates that this missense variant is expected to disrupt DOCK7 protein function. In summary, the available evidence is currently insufficient to determine the role of this variant in disease. Therefore, it has been classified as a Variant of Uncertain Significance.

NM_001367561.1(DOCK7):c.3107G>A (p.Arg1036His)

Gene: DOCK7 (dedicator of cytokinesis 7; minus strand). Cytogenetic location: 1p31.3.
Variant type: single nucleotide variant.
Coding change: c.3107G>A on transcript NM_001367561.1 (MANE Select); coding-DNA position 3107, G replaced by A.
Protein change: p.Arg1036His; replaces arginine 1036 with histidine.
Molecular consequence: missense variant.
Genome position (GRCh38, 1-based): chr1:62,539,831, C>T on the plus strand (G>A on the coding strand, the complement: DOCK7 is on the minus strand). VCF-style: chr1-62539831-C-T. GRCh37 (hg19) VCF-style: chr1-63005502-C-T.
Other names: c.3107G>A, p.Arg1036His (NM_001271999.2, NM_001330614.2); c.3014G>A, p.Arg1005His (NM_001272000.2, NM_001272001.2, NM_033407.4); c.3014G>A (NM_033407.2); short protein forms R1005H, R1036H.
Identifiers: ClinVar variation 1001229 (VCV001001229.8), dbSNP rs776880304, ClinGen allele CA886079.
Genomic context (GRCh38, chr1:62,539,831, plus strand): 5'-ATATCACTAGCAATCGTGCTGACAAGAGCTGCAATGTCATCCATGAAACGTTCTGGAAAA[C>T]GACTTTTCCTTGGAGCCTCAAGTTTATCATTAAAGTATAAATGGTGCACCATGCTCTTTA-3'
Protein context (NP_001354490.1, residues 1026-1046): NDKLEAPRKS[Arg1036His]FPERFMDDIA